The following is an entry in ClinVar:

ClinVar aggregate classification (germline): Uncertain significance. Review status: criteria provided, multiple submitters, no conflicts (2 of 4 stars). 2 submissions from 2 submitters: Uncertain significance (2). Last evaluated 2024-02-23.

Conditions:
Charcot-Marie-Tooth disease type 1C. Also called: CHARCOT-MARIE-TOOTH DISEASE, DEMYELINATING, TYPE 1C; CMT, SLOW NERVE CONDUCTION TYPE C; Charcot-Marie-Tooth disease, type IC; CHARCOT-MARIE-TOOTH NEUROPATHY, TYPE 1C; NEUROPATHY, HEREDITARY MOTOR AND SENSORY, TYPE IC; HMSN IC. Identifiers: Orphanet 101083, MedGen C0270913, MONDO:0010995, OMIM 601098.
Charcot-Marie-Tooth disease. Also called: Charcot-Marie-Tooth Hereditary Neuropathy; Charcot-Marie-Tooth Neuropathy. Identifiers: Orphanet 166, MedGen C0007959, MONDO:0015626.

Submissions (2):

Labcorp Genetics (formerly Invitae), Labcorp
Classification: Uncertain significance for Charcot-Marie-Tooth disease type 1C. Last evaluated: 2024-02-23. Review status: criteria provided, single submitter. Criteria: Invitae Variant Classification Sherloc (09022015). Collection method: clinical testing. Allele origin: germline.
Comment: This sequence change replaces leucine, which is neutral and non-polar, with proline, which is neutral and non-polar, at codon 124 of the LITAF protein (p.Leu124Pro). This variant is not present in population databases (gnomAD no frequency). This variant has not been reported in the literature in individuals affected with LITAF-related conditions. ClinVar contains an entry for this variant (Variation ID: 665395). An algorithm developed to predict the effect of missense changes on protein structure and function (PolyPhen-2) suggests that this variant is likely to be disruptive. In summary, the available evidence is currently insufficient to determine the role of this variant in disease. Therefore, it has been classified as a Variant of Uncertain Significance.

Molecular Genetics, Royal Melbourne Hospital
Classification: Uncertain significance for Charcot-Marie-Tooth disease. Last evaluated: 2023-08-01. Review status: criteria provided, single submitter. Criteria: ACMG Guidelines, 2015. Collection method: clinical testing. Allele origin: germline. Inheritance: Autosomal dominant inheritance. Affected: yes.
Comment: This sequence change in LITAF is predicted to replace leucine with proline at codon 124, p.(Leu124Pro). The leucine residue is highly conserved (100 vertebrates, UCSC), and is located in the LITAF domain hydrophobic region, amino acids 114-139, a region that is critical to protein function and where previous pathogenic variants have been reported (PMID: 27927196). There is a moderate physicochemical difference between leucine and proline. This variant is absent from the population database gnomAD v2.1 and v3.1. This variant has been identified in multiple probands with unspecified neuropathy/Charcot-Marie-Tooth disease (Royal Melbourne Hospital; Invitae). Computational evidence predicts a deleterious effect for the missense substitution (REVEL = 0.915). Based on the classification scheme RMH Modified ACMG/AMP Guidelines v1.6.1, this variant is classified as a VARIANT OF UNCERTAIN SIGNIFICANCE. Following criteria are met: PM1, PS4_Supporting, PM2_Supporting, PP3.

Literature cited by the submitters: PubMed 27927196 (cited by Molecular Genetics, Royal Melbourne Hospital).

NM_001136472.2(LITAF):c.371T>C (p.Leu124Pro)

Gene: LITAF (lipopolysaccharide induced TNF factor; minus strand). Cytogenetic location: 16p13.13.
Variant type: single nucleotide variant.
Coding change: c.371T>C on transcript NM_001136472.2 (MANE Select); coding-DNA position 371, T replaced by C.
Protein change: p.Leu124Pro; replaces leucine 124 with proline.
Molecular consequence: missense variant. On other transcripts: non-coding transcript variant (1).
Genome position (GRCh38, 1-based): chr16:11,553,539, A>G on the plus strand (T>C on the coding strand, the complement: LITAF is on the minus strand). VCF-style: chr16-11553539-A-G. GRCh37 (hg19) VCF-style: chr16-11647395-A-G.
Other names: c.371T>C, p.Leu124Pro (NM_001136473.1, NM_004862.4); short protein forms L124P.
Identifiers: ClinVar variation 665395 (VCV000665395.11), dbSNP rs1597329148, ClinGen allele CA394765082.